The following is an entry in ClinVar:

ClinVar aggregate classification (germline): Benign/Likely benign. Review status: criteria provided, multiple submitters, no conflicts (2 of 4 stars). 5 submissions from 5 submitters: Benign (1); Likely benign (3). 1 of the submissions does not count toward it. Last evaluated 2026-01-26.

Conditions:
POLD1-related polyposis and colorectal cancer syndrome (CRCS10). Also called: Colorectal cancer, susceptibility to, 10; Colorectal cancer 10; COLORECTAL CANCER, SUSCEPTIBILITY TO, ON CHROMOSOME 19q. Identifiers: Orphanet 220460, MedGen C2675481, MONDO:0012953, OMIM 612591.

Allele frequency attached by ClinVar (database versions not stated): gnomAD 0.00003 and 0.00004; gnomAD exomes 0.00005; TOPMed 0.00007; ExAC 0.00005; ESP Exome Variant Server 0.00008.
gnomAD v4.1: 80 of 1,613,374 alleles (0.005%); highest among the groups gnomAD compares: African/African-American, 0.012%; no homozygotes.

Submissions (5):

Labcorp Genetics (formerly Invitae), Labcorp
Classification: Likely benign for POLD1-related polyposis and colorectal cancer syndrome. Last evaluated: 2026-01-26. Review status: criteria provided, single submitter. Criteria: Invitae Variant Classification Sherloc (09022015). Collection method: clinical testing. Allele origin: germline.

Center for Genomic Medicine, Rigshospitalet, Copenhagen University Hospital
Classification: Likely benign. Last evaluated: 2025-03-04. Review status: criteria provided, single submitter. Criteria: ACMG Guidelines, 2015. Collection method: clinical testing. Allele origin: germline.

KCCC/NGS Laboratory, Kuwait Cancer Control Center
Classification: Benign for POLD1-related polyposis and colorectal cancer syndrome. Last evaluated: 2025-02-01. Review status: criteria provided, single submitter. Criteria: ACMG Guidelines, 2015. Collection method: clinical testing. Allele origin: germline. Affected: no.

GeneDx
Classification: Likely benign. Last evaluated: 2017-12-19. Review status: criteria provided, single submitter. Criteria: GeneDx Variant Classification (06012015). Collection method: clinical testing. Allele origin: germline. Affected: yes.
Comment: This variant is considered likely benign or benign based on one or more of the following criteria: it is a conservative change, it occurs at a poorly conserved position in the protein, it is predicted to be benign by multiple in silico algorithms, and/or has population frequency not consistent with disease.

Counsyl
Classification: Likely benign for POLD1-related polyposis and colorectal cancer syndrome. Last evaluated: 2017-11-27. Review status: no assertion criteria provided. Collection method: clinical testing. Allele origin: unknown. Not counted in ClinVar's aggregate classification.

NM_002691.4(POLD1):c.2007-14G>A

Gene: POLD1 (DNA polymerase delta 1, catalytic subunit; plus strand). Cytogenetic location: 19q13.33.
Variant type: single nucleotide variant.
Coding change: c.2007-14G>A on transcript NM_002691.4 (MANE Select); 14 bases into the intron before coding-DNA position 2007, G replaced by A.
Molecular consequence: intron variant.
Genome position (GRCh38, 1-based): chr19:50,409,505, G>A. VCF-style: chr19-50409505-G-A. GRCh37 (hg19) VCF-style: chr19-50912762-G-A.
Other names: c.2085-14G>A (LRG_785t2, NM_001308632.1); c.2007-14G>A (NM_001256849.1, LRG_785t1).
Identifiers: ClinVar variation 386692 (VCV000386692.12), dbSNP rs374710307, ClinGen allele CA9596367.
Genomic context (GRCh38, chr19:50,409,505, plus strand): 5'-ACTCACTTCCAGAAAGGAGCCCTGACCAATGCCCAGGTGCCGCCTGAGTGTGCTTTCCCC[G>A]TGTTCCCTCGCAGGGCCAAGGCCGAGCTGGCCAAGGAGACAGACCCCCTCCGGCGCCAGG-3'